The following is an entry in ClinVar:

ClinVar aggregate classification (germline): Uncertain significance. Review status: criteria provided, multiple submitters, no conflicts (2 of 4 stars). 2 submissions from 2 submitters: Uncertain significance (2). Last evaluated 2026-04-14.

Conditions:
Familial intrahepatic cholestasis. Identifiers: Orphanet 284385, MedGen CN296401, MONDO:0017290.

Submissions (2):

Genomenon, Inc
Classification: Uncertain significance for Familial intrahepatic cholestasis. Last evaluated: 2026-04-14. Review status: criteria provided, single submitter. Criteria: Genomenon Sequence Variant Interpretation Standards - Updated. Collection method: curation. Allele origin: germline. Affected: yes.
Comment: ABCB11 p.Met183Thr (c.548T>C) is a missense variant that changes the amino acid at residue 183 from Methionine to Threonine. This variant has been observed in at least one proband with an ABCB11-related disorder (PMID:29973134;20232290). It is absent or not present at a significant frequency in gnomAD. In silico models predict that this variant is possibly or probably damaging. In conclusion, we classify ABCB11 p.Met183Thr (c.548T>C) as a variant of uncertain significance.

Women's Health and Genetics/Laboratory Corporation of America, LabCorp
Classification: Uncertain significance. Last evaluated: 2025-06-27. Review status: criteria provided, single submitter. Criteria: LabCorp Variant Classification Summary - May 2015. Collection method: clinical testing. Allele origin: germline.
Comment: Variant summary: ABCB11 c.548T>C (p.Met183Thr) results in a non-conservative amino acid change in the encoded protein sequence. Algorithms developed to predict the effect of missense changes on protein structure and function all suggest that this variant is likely to be disruptive. The variant was absent in 248218 control chromosomes. c.548T>C has been observed in homozygous and compound heterozygous individuals affected with Familial Intrahepatic Cholestasis (Sharma_2018, Davit-Spraul_2010). These data indicate that the variant may be associated with disease. To our knowledge, no experimental evidence demonstrating an impact on protein function has been reported. The following publications have been ascertained in the context of this evaluation (PMID: 20232290, 29973134). No submitters have cited clinical-significance assessments for this variant to ClinVar. Based on the evidence outlined above, the variant was classified as VUS-possibly pathogenic.

Literature cited by the submitters: PubMed 29973134 (cited by Genomenon, Inc and Women's Health and Genetics/Laboratory Corporation of America, LabCorp); PubMed 20232290 (cited by Genomenon, Inc and Women's Health and Genetics/Laboratory Corporation of America, LabCorp).

NM_003742.4(ABCB11):c.548T>C (p.Met183Thr)

Gene: ABCB11 (ATP binding cassette subfamily B member 11; minus strand). Cytogenetic location: 2q31.1.
Variant type: single nucleotide variant.
Coding change: c.548T>C on transcript NM_003742.4 (MANE Select); coding-DNA position 548, T replaced by C.
Protein change: p.Met183Thr; replaces methionine 183 with threonine.
Molecular consequence: missense variant.
Genome position (GRCh38, 1-based): chr2:168,995,412, A>G on the plus strand (T>C on the coding strand, the complement: ABCB11 is on the minus strand). VCF-style: chr2-168995412-A-G. GRCh37 (hg19) VCF-style: chr2-169851922-A-G.
Other names: short protein forms M183T.
Identifiers: ClinVar variation 3907100 (VCV003907100.2).
Genomic context (GRCh38, chr2:168,995,412, plus strand): 5'-GAGAATCTTGTATTCAGCTCCCCCACTGAATTGCAGTCAAACCACCCTATTTCCATTCTC[A>G]TTATTCTCCTAAAGTAAAATTTTCTCATTTTCTGTATCTGACGAGCTGCGGCAATGACCC-3'
Protein context (NP_003733.2, residues 173-193): KMRKFYFRRI[Met183Thr]RMEIGWFDCN